The following is an entry in ClinVar:

NM_030632.3(ASXL3):c.3039+1G>C

Gene: ASXL3 (ASXL transcriptional regulator 3; plus strand). Cytogenetic location: 18q12.1.
Variant type: single nucleotide variant.
Coding change: c.3039+1G>C on transcript NM_030632.3 (MANE Select); the canonical splice donor site of the intron after coding-DNA position 3039, G replaced by C.
Molecular consequence: splice donor variant.
Genome position (GRCh38, 1-based): chr18:33,740,444, G>C. VCF-style: chr18-33740444-G-C. GRCh37 (hg19) VCF-style: chr18-31320408-G-C.
Identifiers: ClinVar variation 2576176 (VCV002576176.1), dbSNP rs1555743003, ClinGen allele CA402182257.

ClinVar aggregate classification (germline): Likely pathogenic (1 of 4 stars; one submission).

Submission:

Institute for Clinical Genetics, University Hospital TU Dresden, University Hospital TU Dresden
Classification: Likely pathogenic. Last evaluated: 2021-10-27. Review status: criteria provided, single submitter. Criteria: ACMG Guidelines, 2015. Collection method: clinical testing. Allele origin: de novo.
Comment: PS2, PM2_SUP, PVS1_STR